The following is an entry in ClinVar:

NM_153006.3(NAGS):c.1096+8C>T

Gene: NAGS (N-acetylglutamate synthase; plus strand). Cytogenetic location: 17q21.31.
Variant type: single nucleotide variant.
Coding change: c.1096+8C>T on transcript NM_153006.3 (MANE Select); 8 bases into the intron after coding-DNA position 1096, C replaced by T.
Molecular consequence: intron variant.
Genome position (GRCh38, 1-based): chr17:44,006,717, C>T. VCF-style: chr17-44006717-C-T. GRCh37 (hg19) VCF-style: chr17-42084085-C-T.
Identifiers: ClinVar variation 511487 (VCV000511487.11), dbSNP rs371563014, ClinGen allele CA8595304.
Genomic context (GRCh38, chr17:44,006,717, plus strand): 5'-GGCCGTCATCACCGCCGCTAGCACGCTGCTCACTGAGCTCTTTAGCAACAAGGGTGAGGG[C>T]GGTGGGCGGGCCGGGGACTGGGTCCCGGGAGTGAGTACTGGCCGGGGCTGGGTGTCTGCG-3'

ClinVar aggregate classification (germline): Likely benign. Review status: criteria provided, multiple submitters, no conflicts (2 of 4 stars). 2 submissions from 2 submitters: Likely benign (2). Last evaluated 2025-12-30.

Conditions:
Hyperammonemia, type III (NAGSD). Also called: Hyperammonemia due to N-acetylglutamate synthase deficiency. Identifiers: Orphanet 927, MedGen C0268543, MONDO:0009377, OMIM 237310.

Allele frequency attached by ClinVar (database versions not stated): ExAC 0.00003; gnomAD exomes 0.00005; ESP Exome Variant Server 0.00008; gnomAD 0.00012; TOPMed 0.00017.
gnomAD v4.1: 45 of 1,589,702 alleles (0.0028%); highest among the groups gnomAD compares: African/African-American, 0.047%; no homozygotes.

Submissions (2):

Labcorp Genetics (formerly Invitae), Labcorp
Classification: Likely benign for Hyperammonemia, type III. Last evaluated: 2025-12-30. Review status: criteria provided, single submitter. Criteria: Invitae Variant Classification Sherloc (09022015). Collection method: clinical testing. Allele origin: germline.

GeneDx
Classification: Likely benign. Last evaluated: 2017-08-31. Review status: criteria provided, single submitter. Criteria: GeneDx Variant Classification (06012015). Collection method: clinical testing. Allele origin: germline. Affected: yes.
Comment: This variant is considered likely benign or benign based on one or more of the following criteria: it is a conservative change, it occurs at a poorly conserved position in the protein, it is predicted to be benign by multiple in silico algorithms, and/or has population frequency not consistent with disease.